The following is an entry in ClinVar:

ClinVar aggregate classification (germline): Uncertain significance (1 of 4 stars; one submission).

Conditions:
Hereditary cancer-predisposing syndrome. Also called: Neoplastic Syndromes, Hereditary; Tumor predisposition; Hereditary Cancer Syndrome; Hereditary neoplastic syndrome. Identifiers: Orphanet 140162, MedGen C0027672, MeSH D009386, MONDO:0015356.

gnomAD v4.1: 4 of 1,613,712 alleles (0.00025%); highest among the groups gnomAD compares: Non-Finnish European, 0.00034%; no homozygotes.

Submission:

Ambry Genetics
Classification: Uncertain significance for Hereditary cancer-predisposing syndrome. Last evaluated: 2025-08-25. Review status: criteria provided, single submitter. Criteria: Ambry Variant Classification Scheme 2023. Collection method: clinical testing. Allele origin: germline.
Comment: The p.P28L variant (also known as c.83C>T), located in coding exon 2 of the SDHD gene, results from a C to T substitution at nucleotide position 83. The proline at codon 28 is replaced by leucine, an amino acid with similar properties. This amino acid position is conserved. In addition, this alteration is predicted to be deleterious by in silico analysis. Based on the available evidence, the clinical significance of this variant remains unclear.

NM_003002.4(SDHD):c.83C>T (p.Pro28Leu)

Gene: SDHD (succinate dehydrogenase complex subunit D; plus strand). Cytogenetic location: 11q23.1.
Variant type: single nucleotide variant.
Coding change: c.83C>T on transcript NM_003002.4 (MANE Select); coding-DNA position 83, C replaced by T.
Protein change: p.Pro28Leu; replaces proline 28 with leucine.
Molecular consequence: missense variant. On other transcripts: non-coding transcript variant (1), intron variant (1).
Genome position (GRCh38, 1-based): chr11:112,087,887, C>T. VCF-style: chr11-112087887-C-T. GRCh37 (hg19) VCF-style: chr11-111958611-C-T.
Other names: c.83C>T, p.Pro28Leu (NM_001276503.2, NM_001276506.2); c.52+928C>T (NM_001276504.2); short protein forms P28L.
Identifiers: ClinVar variation 4161275 (VCV004161275.1).